The following is an entry in ClinVar:

ClinVar aggregate classification (germline): Uncertain significance. Review status: criteria provided, multiple submitters, no conflicts (2 of 4 stars). 2 submissions from 2 submitters: Uncertain significance (2). Last evaluated 2024-07-01.

Allele frequency attached by ClinVar (database versions not stated): ExAC 0.00002; TOPMed 0.00003; gnomAD 0.00005; gnomAD exomes 0.00005; 1000 Genomes Project 30x 0.00016; 1000 Genomes Project 0.00020.
gnomAD v4.1: 71 of 1,614,044 alleles (0.0044%); highest among the groups gnomAD compares: Admixed American, 0.015%; 1 homozygote.

Submissions (2):

Labcorp Genetics (formerly Invitae), Labcorp
Classification: Uncertain significance. Last evaluated: 2024-07-01. Review status: criteria provided, single submitter. Criteria: Invitae Variant Classification Sherloc (09022015). Collection method: clinical testing. Allele origin: germline.
Comment: This sequence change replaces alanine, which is neutral and non-polar, with threonine, which is neutral and polar, at codon 343 of the APCDD1 protein (p.Ala343Thr). This variant is present in population databases (rs201920747, gnomAD 0.01%). This variant has not been reported in the literature in individuals affected with APCDD1-related conditions. ClinVar contains an entry for this variant (Variation ID: 2267759). Advanced modeling of protein sequence and biophysical properties (such as structural, functional, and spatial information, amino acid conservation, physicochemical variation, residue mobility, and thermodynamic stability) performed at Invitae indicates that this missense variant is expected to disrupt APCDD1 protein function with a positive predictive value of 80%. In summary, the available evidence is currently insufficient to determine the role of this variant in disease. Therefore, it has been classified as a Variant of Uncertain Significance.

Ambry Genetics
Classification: Uncertain significance. Last evaluated: 2021-08-13. Review status: criteria provided, single submitter. Criteria: Ambry Variant Classification Scheme 2023. Collection method: clinical testing. Allele origin: germline.

NM_153000.5(APCDD1):c.1027G>A (p.Ala343Thr)

Gene: APCDD1 (APC down-regulated 1; plus strand). Cytogenetic location: 18p11.22.
Variant type: single nucleotide variant.
Coding change: c.1027G>A on transcript NM_153000.5 (MANE Select); coding-DNA position 1027, G replaced by A.
Protein change: p.Ala343Thr; replaces alanine 343 with threonine.
Molecular consequence: missense variant.
Genome position (GRCh38, 1-based): chr18:10,485,714, G>A. VCF-style: chr18-10485714-G-A. GRCh37 (hg19) VCF-style: chr18-10485711-G-A.
Other names: short protein forms A343T.
Identifiers: ClinVar variation 2267759 (VCV002267759.4), dbSNP rs201920747, ClinGen allele CA8891184.